The following is an entry in ClinVar:

NM_005378.6(MYCN):c.1177C>T (p.Arg393Cys)

Gene: MYCN (MYCN proto-oncogene, bHLH transcription factor; plus strand). Cytogenetic location: 2p24.3.
Variant type: single nucleotide variant.
Coding change: c.1177C>T on transcript NM_005378.6 (MANE Select); coding-DNA position 1177, C replaced by T.
Protein change: p.Arg393Cys; replaces arginine 393 with cysteine.
Molecular consequence: missense variant. On other transcripts: 3 prime UTR variant (1).
Genome position (GRCh38, 1-based): chr2:15,945,879, C>T. VCF-style: chr2-15945879-C-T. GRCh37 (hg19) VCF-style: chr2-16086001-C-T.
Other names: c.1177C>T (NM_005378.5); c.1177C>T, p.Arg393Cys (NM_001293228.2); c.544C>T, p.Arg182Cys (NM_001293231.2); c.*1112C>T (NM_001293233.2); short protein forms R182C, R393C.
Identifiers: ClinVar variation 985302 (VCV000985302.11), dbSNP rs104893647, ClinGen allele CA345932445.

ClinVar aggregate classification (germline): Pathogenic/Likely pathogenic. Review status: criteria provided, multiple submitters, no conflicts (2 of 4 stars). 4 submissions from 4 submitters: Pathogenic (2); Likely pathogenic (2). Last evaluated 2025-08-19.

Conditions:
Inborn genetic diseases. Identifiers: MedGen C0950123, MeSH D030342.
MYCN-related disorder. Also called: MYCN-related condition.

Submissions (4):

PreventionGenetics, part of Exact Sciences
Classification: Likely pathogenic for MYCN-related condition. Last evaluated: 2025-08-19. Review status: criteria provided, single submitter. Criteria: ACMG Guidelines, 2015. Collection method: clinical testing. Allele origin: germline.
Comment: The MYCN c.1177C>T variant is predicted to result in the amino acid substitution p.Arg393Cys. This variant has been reported in two individuals with Feingold syndrome (Cognet et al. 2011. PubMed ID: 21224895; Zeka et al. 2022. PubMed ID:35620261). Alternative amino acid substitutions at the same residue (p.Arg393His & p.Arg393Ser) have been reported in individuals with Feingold syndrome (see examples: Cognet et al. 2011. PubMed ID: 21224895; Supplementary Fig.1, van Bokhoven et al. 2005. PubMed ID: 15821734; Table S1, Baker et al. 2019. PubMed ID: 30577886). This variant has not been reported in a large population database (gnomAD), indicating this variant is rare. This variant is interpreted as likely pathogenic.

GeneDx
Classification: Likely pathogenic. Last evaluated: 2024-04-18. Review status: criteria provided, single submitter. Criteria: GeneDx Variant Classification Process June 2021. Collection method: clinical testing. Allele origin: germline. Affected: yes.
Comment: Not observed at significant frequency in large population cohorts (gnomAD); In silico analysis supports that this missense variant has a deleterious effect on protein structure/function; This variant is associated with the following publications: (PMID: 15821734, 18470948, 35620261, 21224895)

Labcorp Genetics (formerly Invitae), Labcorp
Classification: Pathogenic. Last evaluated: 2023-04-05. Review status: criteria provided, single submitter. Criteria: Invitae Variant Classification Sherloc (09022015). Collection method: clinical testing. Allele origin: germline.
Comment: For these reasons, this variant has been classified as Pathogenic. This variant disrupts the p.Arg393 amino acid residue in MYCN. Other variant(s) that disrupt this residue have been observed in individuals with MYCN-related conditions (PMID: 15821734, 21224895), which suggests that this may be a clinically significant amino acid residue. Advanced modeling of protein sequence and biophysical properties (such as structural, functional, and spatial information, amino acid conservation, physicochemical variation, residue mobility, and thermodynamic stability) performed at Invitae indicates that this missense variant is expected to disrupt MYCN protein function. ClinVar contains an entry for this variant (Variation ID: 985302). This missense change has been observed in individual(s) with Feingold syndrome and/or MYCN-related conditions (PMID: 21224895; Invitae). In at least one individual the variant was observed to be de novo. This variant is not present in population databases (gnomAD no frequency). This sequence change replaces arginine, which is basic and polar, with cysteine, which is neutral and slightly polar, at codon 393 of the MYCN protein (p.Arg393Cys).

Ambry Genetics
Classification: Pathogenic for Inborn genetic diseases. Last evaluated: 2020-01-03. Review status: criteria provided, single submitter. Criteria: Ambry Variant Classification Scheme 2023. Collection method: clinical testing. Allele origin: germline.
Comment: The alteration results in an amino acid change:_x000D_ _x000D_ The c.1177C>T (p.R393C) alteration is located in exon 3 (coding exon 2) of the MYCN gene. This alteration results from a C to T substitution at nucleotide position 1177, causing the arginine (R) at amino acid position 393 to be replaced by a cysteine (C). The alteration is not observed in population databases: _x000D_ _x000D_ Based on data from the Genome Aggregation Database (gnomAD), the MYCN c.1177C>T alteration was not observed, with coverage at this position. The amino acid change has been observed in affected individuals: _x000D_ _x000D_ This alteration has been described in a patient with features of Feingold syndrome including microcephaly, intellectual disability, digital abnormalities, growth retardation, micrognathia, and esophageal atresia (Cognet, 2011). In addition, other substitutions at the same codon have been reported in multiple affected individuals with Feingold syndrome, including p.R393S and p.R393H (Cognet, 2011; Marcelis, 2008; van Bokhoven, 2005). The altered amino acid is conserved throughout evolution:_x000D_ _x000D_ The p.R393 amino acid is conserved in available vertebrate species. The alteration is predicted deleterious by in silico modeling:_x000D_ _x000D_ The p.R393C alteration is predicted to be deleterious by in silico analysis. Based on the available evidence, this alteration is classified as pathogenic.

Literature cited by the submitters: PubMed 15821734 (cited by Labcorp Genetics (formerly Invitae), Labcorp and Ambry Genetics); PubMed 21224895 (cited by Labcorp Genetics (formerly Invitae), Labcorp and Ambry Genetics); PubMed 18470948 (cited by Ambry Genetics).